The following is an entry in ClinVar:

NM_000051.4(ATM):c.2579A>G (p.Asp860Gly)

Gene: ATM (ATM serine/threonine kinase; plus strand). Cytogenetic location: 11q22.3.
Variant type: single nucleotide variant.
Coding change: c.2579A>G on transcript NM_000051.4 (MANE Select); coding-DNA position 2579, A replaced by G.
Protein change: p.Asp860Gly; replaces aspartic acid 860 with glycine.
Molecular consequence: missense variant.
Genome position (GRCh38, 1-based): chr11:108,267,283, A>G. VCF-style: chr11-108267283-A-G. GRCh37 (hg19) VCF-style: chr11-108138010-A-G.
Other names: c.2579A>G, p.Asp860Gly (NM_001351834.2); short protein forms D860G.
Identifiers: ClinVar variation 481130 (VCV000481130.22), dbSNP rs761251711, ClinGen allele CA228406449.

ClinVar aggregate classification (germline): Conflicting classifications of pathogenicity. Review status: criteria provided, conflicting classifications (1 of 4 stars). 6 submissions from 6 submitters: Uncertain significance (4); Likely benign (1). 1 of the submissions does not count toward it. Last evaluated 2025-10-06.

Conditions:
ATM-related disorder. Also called: ATM-related disorders; ATM-related condition.
Hereditary cancer-predisposing syndrome. Also called: Neoplastic Syndromes, Hereditary; Hereditary Cancer Syndrome; Tumor predisposition; Hereditary neoplastic syndrome. Identifiers: Orphanet 140162, MedGen C0027672, MeSH D009386, MONDO:0015356.
Familial cancer of breast. Also called: BREAST CANCER, FAMILIAL; Hereditary breast cancer; hereditary breast carcinoma. Identifiers: Orphanet 227535, MedGen C0346153, MONDO:0016419, OMIM 114480. Disease mechanism: loss of function.
Ataxia-telangiectasia syndrome (AT). Also called: Ataxia-telangiectasia, complementation group D; Ataxia-telangiectasia, complementation group E; LOUIS-BAR SYNDROME; Cerebello-oculocutaneous telangiectasia; Immunodeficiency with ataxia telangiectasia; AT, COMPLEMENTATION GROUP C. Identifiers: Orphanet 100, MedGen C0004135, MONDO:0008840, OMIM 208900.

Allele frequency attached by ClinVar (database versions not stated): TOPMed 0.00002; gnomAD 0.00003.
gnomAD v4.1: 4 of 1,614,064 alleles (0.00025%); highest among the groups gnomAD compares: African/African-American, 0.0053%; no homozygotes.

Submissions (6):

Labcorp Genetics (formerly Invitae), Labcorp
Classification: Uncertain significance for Ataxia-telangiectasia syndrome. Last evaluated: 2025-10-06. Review status: criteria provided, single submitter. Criteria: Invitae Variant Classification Sherloc (09022015). Collection method: clinical testing. Allele origin: germline.
Comment: This sequence change replaces aspartic acid, which is acidic and polar, with glycine, which is neutral and non-polar, at codon 860 of the ATM protein (p.Asp860Gly). This variant is not present in population databases (gnomAD no frequency). This variant has not been reported in the literature in individuals affected with ATM-related conditions. ClinVar contains an entry for this variant (Variation ID: 481130). Invitae Evidence Modeling of protein sequence and biophysical properties (such as structural, functional, and spatial information, amino acid conservation, physicochemical variation, residue mobility, and thermodynamic stability) indicates that this missense variant is not expected to disrupt ATM protein function with a negative predictive value of 95%. In summary, the available evidence is currently insufficient to determine the role of this variant in disease. Therefore, it has been classified as a Variant of Uncertain Significance.

PreventionGenetics, part of Exact Sciences
Classification: Uncertain significance for ATM-related condition. Last evaluated: 2024-11-30. Review status: criteria provided, single submitter. Criteria: ACMG Guidelines, 2015. Collection method: clinical testing. Allele origin: germline.
Comment: The ATM c.2579A>G variant is predicted to result in the amino acid substitution p.Asp860Gly. To our knowledge, this variant has not been reported in the literature or in a large population database (gnomAD), indicating this variant is rare. This variant has conflicting interpretations ranging from uncertain to likely benign in ClinVar. At this time, the clinical significance of this variant is uncertain due to the absence of conclusive functional and genetic evidence.

Ambry Genetics
Classification: Likely benign for Hereditary cancer-predisposing syndrome. Last evaluated: 2024-06-07. Review status: criteria provided, single submitter. Criteria: Ambry Variant Classification Scheme 2023. Collection method: clinical testing. Allele origin: germline.

Baylor Genetics
Classification: Uncertain significance for Familial cancer of breast. Last evaluated: 2023-10-29. Review status: criteria provided, single submitter. Criteria: ACMG Guidelines, 2015. Collection method: clinical testing. Allele origin: unknown.

GeneDx
Classification: Uncertain significance. Last evaluated: 2020-12-01. Review status: criteria provided, single submitter. Criteria: GeneDx Variant Classification Process June 2021. Collection method: clinical testing. Allele origin: germline. Affected: yes.
Comment: Not observed in large population cohorts (Lek et al., 2016); In silico analysis supports that this missense variant has a deleterious effect on protein structure/function; Has not been previously published as pathogenic or benign to our knowledge

Natera, Inc.
Classification: Uncertain significance for Ataxia-telangiectasia. Last evaluated: 2021-07-26. Review status: no assertion criteria provided. Collection method: clinical testing. Allele origin: germline. Not counted in ClinVar's aggregate classification.